The following is an entry in ClinVar:

ClinVar aggregate classification (germline): Uncertain significance. Review status: criteria provided, multiple submitters, no conflicts (2 of 4 stars). 2 submissions from 2 submitters: Uncertain significance (2). Last evaluated 2025-08-14.

Conditions:
Carnitine palmitoyl transferase 1A deficiency. Also called: Carnitine palmitoyltransferase type I deficiency; Carnitine palmitoyltransferase 1A deficiency; CPT deficiency, hepatic, type IA; CPT I DEFICIENCY; CPT DEFICIENCY, HEPATIC, TYPE I. Identifiers: Orphanet 156, MedGen C1829703, MONDO:0009705, OMIM 255120.
Inborn genetic diseases. Identifiers: MedGen C0950123, MeSH D030342.

Allele frequency attached by ClinVar (database versions not stated): ExAC 0.00002.
gnomAD v4.1: 7 of 1,613,840 alleles (0.00043%); highest among the groups gnomAD compares: Admixed American, 0.0017%; no homozygotes.

Submissions (2):

Ambry Genetics
Classification: Uncertain significance for Inborn genetic diseases. Last evaluated: 2025-08-14. Review status: criteria provided, single submitter. Criteria: Ambry Variant Classification Scheme 2023. Collection method: clinical testing. Allele origin: germline.

Labcorp Genetics (formerly Invitae), Labcorp
Classification: Uncertain significance for Carnitine palmitoyl transferase 1A deficiency. Last evaluated: 2022-08-06. Review status: criteria provided, single submitter. Criteria: Invitae Variant Classification Sherloc (09022015). Collection method: clinical testing. Allele origin: germline.
Comment: This sequence change replaces arginine, which is basic and polar, with tryptophan, which is neutral and slightly polar, at codon 288 of the CPT1A protein (p.Arg288Trp). This variant is present in population databases (rs750821338, gnomAD 0.003%). This variant has not been reported in the literature in individuals affected with CPT1A-related conditions. Algorithms developed to predict the effect of missense changes on protein structure and function are either unavailable or do not agree on the potential impact of this missense change (SIFT: "Deleterious"; PolyPhen-2: "Possibly Damaging"; Align-GVGD: "Class C0"). In summary, the available evidence is currently insufficient to determine the role of this variant in disease. Therefore, it has been classified as a Variant of Uncertain Significance.

NM_001876.4(CPT1A):c.862C>T (p.Arg288Trp)

Gene: CPT1A (carnitine palmitoyltransferase 1A; minus strand). Cytogenetic location: 11q13.3.
Variant type: single nucleotide variant.
Coding change: c.862C>T on transcript NM_001876.4 (MANE Select); coding-DNA position 862, C replaced by T.
Protein change: p.Arg288Trp; replaces arginine 288 with tryptophan.
Molecular consequence: missense variant.
Genome position (GRCh38, 1-based): chr11:68,794,821, G>A on the plus strand (C>T on the coding strand, the complement: CPT1A is on the minus strand). VCF-style: chr11-68794821-G-A. GRCh37 (hg19) VCF-style: chr11-68562289-G-A.
Other names: c.862C>T (NM_001876.3); c.862C>T, p.Arg288Trp (NM_001031847.3); short protein forms R288W.
Identifiers: ClinVar variation 1991879 (VCV001991879.2), dbSNP rs750821338, ClinGen allele CA6152504.